The following is an entry in ClinVar:

NM_007373.4(SHOC2):c.1480A>G (p.Thr494Ala)

Gene: SHOC2 (SHOC2 leucine rich repeat scaffold protein; plus strand). Cytogenetic location: 10q25.2.
Variant type: single nucleotide variant.
Coding change: c.1480A>G on transcript NM_007373.4 (MANE Select); coding-DNA position 1480, A replaced by G.
Protein change: p.Thr494Ala; replaces threonine 494 with alanine.
Molecular consequence: missense variant. On other transcripts: non-coding transcript variant (1).
Genome position (GRCh38, 1-based): chr10:111,009,770, A>G. VCF-style: chr10-111009770-A-G. GRCh37 (hg19) VCF-style: chr10-112769528-A-G.
Other names: c.1342A>G, p.Thr448Ala (NM_001269039.3); c.1480A>G, p.Thr494Ala (NM_001324336.2, NM_001324337.2); short protein forms T494A, T448A.
Identifiers: ClinVar variation 1441943 (VCV001441943.8), dbSNP rs1188545694, ClinGen allele CA378524700.

ClinVar aggregate classification (germline): Uncertain significance (1 of 4 stars; one submission).

Conditions:
RASopathy. Also called: rasopathies; Noonan spectrum disorder. Identifiers: Orphanet 536391, MedGen C5555857, MONDO:0021060.

Allele frequency attached by ClinVar (database versions not stated): gnomAD exomes below 0.00001.
gnomAD v4.1: 1 of 1,613,498 alleles (0.000062%); highest among the groups gnomAD compares: Non-Finnish European, 0.000085%; no homozygotes.

Submission:

Labcorp Genetics (formerly Invitae), Labcorp
Classification: Uncertain significance for RASopathy. Last evaluated: 2025-09-15. Review status: criteria provided, single submitter. Criteria: Invitae Variant Classification Sherloc (09022015). Collection method: clinical testing. Allele origin: germline.
Comment: This sequence change replaces threonine, which is neutral and polar, with alanine, which is neutral and non-polar, at codon 494 of the SHOC2 protein (p.Thr494Ala). This variant is not present in population databases (gnomAD no frequency). This missense change has been observed in individual(s) with clinical features of Noonan syndrome (PMID: 27763634). ClinVar contains an entry for this variant (Variation ID: 1441943). Invitae Evidence Modeling of protein sequence and biophysical properties (such as structural, functional, and spatial information, amino acid conservation, physicochemical variation, residue mobility, and thermodynamic stability) indicates that this missense variant is not expected to disrupt SHOC2 protein function with a negative predictive value of 80%. In summary, the available evidence is currently insufficient to determine the role of this variant in disease. Therefore, it has been classified as a Variant of Uncertain Significance.

Literature cited by the submitters: PubMed 27763634.